The following is an entry in ClinVar:

NM_002890.3(RASA1):c.2185-1G>C

Genes: CCNH (cyclin H; minus strand), RASA1 (RAS p21 protein activator 1; plus strand). Cytogenetic location: 5q14.3.
Variant type: single nucleotide variant.
Coding change: c.2185-1G>C on transcript NM_002890.3 (MANE Select); the canonical splice acceptor site of the intron before coding-DNA position 2185, G replaced by C.
Molecular consequence: splice acceptor variant. On other transcripts: intron variant (1).
Genome position (GRCh38, 1-based): chr5:87,376,880, G>C. VCF-style: chr5-87376880-G-C. GRCh37 (hg19) VCF-style: chr5-86672697-G-C.
Other names: c.1654-1G>C (NM_022650.3); c.933+18164C>G (NM_001364075.2).
Identifiers: ClinVar variation 4724421 (VCV004724421.1).
Genomic context (GRCh38, chr5:87,376,880, plus strand): 5'-TCTCATGGAGCATGCTTATAATGCTACGTACTTTAAACAATCTTTTAAAATGTCATTTTA[G>C]CTTATACTGCAAAAGGAACTTCATGTAGTCTATGCTTTATCACATGTATGTGGACAAGAC-3'

ClinVar aggregate classification (germline): Likely pathogenic (1 of 4 stars; one submission).

Conditions:
Capillary malformation-arteriovenous malformation syndrome. Also called: Capillary malformation-arteriovenous malformation. Identifiers: Orphanet 137667, MedGen C1842180, MONDO:0012016.

Submission:

Labcorp Genetics (formerly Invitae), Labcorp
Classification: Likely pathogenic for Capillary malformation-arteriovenous malformation syndrome. Last evaluated: 2025-12-23. Review status: criteria provided, single submitter. Criteria: Invitae Variant Classification Sherloc (09022015). Collection method: clinical testing. Allele origin: germline.
Comment: This sequence change affects an acceptor splice site in intron 16 of the RASA1 gene. It is expected to disrupt RNA splicing. Variants that disrupt the donor or acceptor splice site typically lead to a loss of protein function (PMID: 16199547), and loss-of-function variants in RASA1 are known to be pathogenic (PMID: 24038909). This variant is not present in population databases (gnomAD no frequency). Disruption of this splice site has been observed in individual(s) with RASA1-related conditions (PMID: 18446851). Algorithms developed to predict the effect of sequence changes on RNA splicing suggest that this variant may disrupt the consensus splice site. In summary, the currently available evidence indicates that the variant is pathogenic, but additional data are needed to prove that conclusively. Therefore, this variant has been classified as Likely Pathogenic.

Literature cited by the submitters: PubMed 16199547; PubMed 24038909; PubMed 18446851.